The following is an entry in ClinVar:

ClinVar aggregate classification (germline): Uncertain significance (1 of 4 stars; one submission).

Conditions:
Hypertrophic cardiomyopathy. Also called: HYPERTROPHIC MYOCARDIOPATHY. Identifiers: Orphanet 217569, MedGen C0007194, MeSH D002312, MONDO:0005045, HP:0001639.

Submission:

Labcorp Genetics (formerly Invitae), Labcorp
Classification: Uncertain significance for Hypertrophic cardiomyopathy. Last evaluated: 2025-06-02. Review status: criteria provided, single submitter. Criteria: Invitae Variant Classification Sherloc (09022015). Collection method: clinical testing. Allele origin: germline.
Comment: This sequence change replaces proline, which is neutral and non-polar, with serine, which is neutral and polar, at codon 859 of the MYBPC3 protein (p.Pro859Ser). This variant is not present in population databases (gnomAD no frequency). This variant has not been reported in the literature in individuals affected with MYBPC3-related conditions. An algorithm developed to predict the effect of missense changes on protein structure and function (PolyPhen-2) suggests that this variant is likely to be tolerated. In summary, the available evidence is currently insufficient to determine the role of this variant in disease. Therefore, it has been classified as a Variant of Uncertain Significance.

NM_000256.3(MYBPC3):c.2575C>T (p.Pro859Ser)

Gene: MYBPC3 (myosin binding protein C3; minus strand). Cytogenetic location: 11p11.2.
Variant type: single nucleotide variant.
Coding change: c.2575C>T on transcript NM_000256.3 (MANE Select); coding-DNA position 2575, C replaced by T.
Protein change: p.Pro859Ser; replaces proline 859 with serine.
Molecular consequence: missense variant.
Genome position (GRCh38, 1-based): chr11:47,337,418, G>A on the plus strand (C>T on the coding strand, the complement: MYBPC3 is on the minus strand). VCF-style: chr11-47337418-G-A. GRCh37 (hg19) VCF-style: chr11-47358969-G-A.
Other names: short protein forms P859S.
Identifiers: ClinVar variation 4761136 (VCV004761136.1).